The following is an entry in ClinVar:

ClinVar aggregate classification (germline): Uncertain significance. Review status: criteria provided, multiple submitters, no conflicts (2 of 4 stars). 2 submissions from 2 submitters: Uncertain significance (2). Last evaluated 2025-05-29.

Conditions:
Inborn genetic diseases. Identifiers: MedGen C0950123, MeSH D030342.

Allele frequency attached by ClinVar (database versions not stated): TOPMed below 0.00001; gnomAD 0.00001; gnomAD exomes 0.00001.
gnomAD v4.1: 10 of 1,607,744 alleles (0.00062%); highest among the groups gnomAD compares: Non-Finnish European, 0.00085%; no homozygotes.

Submissions (2):

Ambry Genetics
Classification: Uncertain significance for Inborn genetic diseases. Last evaluated: 2025-05-29. Review status: criteria provided, single submitter. Criteria: Ambry Variant Classification Scheme 2023. Collection method: clinical testing. Allele origin: germline.

Labcorp Genetics (formerly Invitae), Labcorp
Classification: Uncertain significance. Last evaluated: 2021-08-27. Review status: criteria provided, single submitter. Criteria: Invitae Variant Classification Sherloc (09022015). Collection method: clinical testing. Allele origin: germline.
Comment: This sequence change replaces glycine with aspartic acid at codon 265 of the SH3PXD2B protein (p.Gly265Asp). The glycine residue is highly conserved and there is a moderate physicochemical difference between glycine and aspartic acid. This variant is not present in population databases (ExAC no frequency). This variant has not been reported in the literature in individuals affected with SH3PXD2B-related conditions. Algorithms developed to predict the effect of missense changes on protein structure and function are either unavailable or do not agree on the potential impact of this missense change (SIFT: "Tolerated"; PolyPhen-2: "Probably Damaging"; Align-GVGD: "Class C0"). In summary, the available evidence is currently insufficient to determine the role of this variant in disease. Therefore, it has been classified as a Variant of Uncertain Significance.

NM_001017995.3(SH3PXD2B):c.794G>A (p.Gly265Asp)

Gene: SH3PXD2B (SH3 and PX domains 2B; minus strand). Cytogenetic location: 5q35.1.
Variant type: single nucleotide variant.
Coding change: c.794G>A on transcript NM_001017995.3 (MANE Select); coding-DNA position 794, G replaced by A.
Protein change: p.Gly265Asp; replaces glycine 265 with aspartic acid.
Molecular consequence: missense variant.
Genome position (GRCh38, 1-based): chr5:172,350,581, C>T on the plus strand (G>A on the coding strand, the complement: SH3PXD2B is on the minus strand). VCF-style: chr5-172350581-C-T. GRCh37 (hg19) VCF-style: chr5-171777585-C-T.
Other names: c.794G>A, p.Gly265Asp (NM_001308175.2); c.794G>A (NM_001017995.2); short protein forms G265D.
Identifiers: ClinVar variation 1397632 (VCV001397632.6), dbSNP rs1193860375, ClinGen allele CA362142875.
Genomic context (GRCh38, chr5:172,350,581, plus strand): 5'-GGGGGCAAGGGCTCCCCACTGTTCTTCTTTAGGTAGGAGGCGGGGGCCCAGCCTTCTTTG[C>T]CCTGGTACCTGTGAAGAGGAGGAAGGATGCTGTCAAACTGCTCCGCCAGGCCCAAGGGAA-3'
Protein context (NP_001017995.1, residues 255-275): LEGWWKIRYQ[Gly265Asp]KEGWAPASYL